The following is an entry in ClinVar:

NM_001375567.1(FOCAD):c.1026G>A (p.Gln342=)

Gene: FOCAD (focadhesin; plus strand). Cytogenetic location: 9p21.3.
Variant type: single nucleotide variant.
Coding change: c.1026G>A on transcript NM_001375567.1 (MANE Select); coding-DNA position 1026, G replaced by A.
Protein change: p.Gln342=; no amino-acid change (glutamine 342 retained).
Molecular consequence: synonymous variant.
Genome position (GRCh38, 1-based): chr9:20,781,758, G>A. VCF-style: chr9-20781758-G-A. GRCh37 (hg19) VCF-style: chr9-20781757-G-A.
Other names: c.1026G>A, p.Gln342= (NM_001375568.1, NM_017794.5); c.921G>A, p.Gln307= (NM_001375570.1).
Identifiers: ClinVar variation 3707333 (VCV003707333.2).
Genomic context (GRCh38, chr9:20,781,758, plus strand): 5'-AAAATGTGCATTATTGTTTTGATGAATAGCTTTGAAGCTCCTCTCTGTTACTGAGGATCA[G>A]AAAATCCCAAAGTCCTCTCTGCTGCTAGTGATGCCAATTCTGCAGATACTATCTTCTACT-3'
Protein context (NP_001362496.1, residues 332-352): ALKLLSVTED[Gln342=]KIPKSSLLLV

ClinVar aggregate classification (germline): Uncertain significance (1 of 4 stars; one submission).

gnomAD v4.1: 24 of 1,613,936 alleles (0.0015%); highest among the groups gnomAD compares: Non-Finnish European, 0.0019%; no homozygotes.

Submission:

Labcorp Genetics (formerly Invitae), Labcorp
Classification: Uncertain significance. Last evaluated: 2024-11-27. Review status: criteria provided, single submitter. Criteria: Invitae Variant Classification Sherloc (09022015). Collection method: clinical testing. Allele origin: germline.
Comment: This sequence change affects codon 342 of the FOCAD mRNA. It is a 'silent' change, meaning that it does not change the encoded amino acid sequence of the FOCAD protein. This variant is present in population databases (no rsID available, gnomAD 0.01%). This variant has not been reported in the literature in individuals affected with FOCAD-related conditions. In summary, the available evidence is currently insufficient to determine the role of this variant in disease. Therefore, it has been classified as a Variant of Uncertain Significance.